The following is an entry in ClinVar:

NM_004304.5(ALK):c.346G>C (p.Ala116Pro)

Gene: ALK (ALK receptor tyrosine kinase; minus strand). Cytogenetic location: 2p23.1.
Variant type: single nucleotide variant.
Coding change: c.346G>C on transcript NM_004304.5 (MANE Select); coding-DNA position 346, G replaced by C.
Protein change: p.Ala116Pro; replaces alanine 116 with proline.
Molecular consequence: missense variant.
Genome position (GRCh38, 1-based): chr2:29,920,314, C>G on the plus strand (G>C on the coding strand, the complement: ALK is on the minus strand). VCF-style: chr2-29920314-C-G. GRCh37 (hg19) VCF-style: chr2-30143180-C-G.
Other names: short protein forms A116P.
Identifiers: ClinVar variation 5035334 (VCV005035334.1).

ClinVar aggregate classification (germline): Uncertain significance (1 of 4 stars; one submission).

Conditions:
Hereditary cancer-predisposing syndrome. Also called: Hereditary Cancer Syndrome; Neoplastic Syndromes, Hereditary; Tumor predisposition; Hereditary neoplastic syndrome. Identifiers: Orphanet 140162, MedGen C0027672, MeSH D009386, MONDO:0015356.

Submission:

Ambry Genetics
Classification: Uncertain significance for Hereditary cancer-predisposing syndrome. Last evaluated: 2026-07-22. Review status: criteria provided, single submitter. Criteria: Ambry Variant Classification Scheme 2023. Collection method: clinical testing. Allele origin: germline.
Comment: The p.A116P variant (also known as c.346G>C), located in coding exon 1 of the ALK gene, results from a G to C substitution at nucleotide position 346. The alanine at codon 116 is replaced by proline, an amino acid with highly similar properties. This amino acid position is conserved. In addition, this alteration is predicted to be tolerated by in silico analysis. Based on the available evidence, the clinical significance of this variant remains unclear.